The following is an entry in ClinVar:

NM_001287491.2(TET3):c.2234_2235del (p.Pro745fs)

Gene: TET3 (tet methylcytosine dioxygenase 3; plus strand). Cytogenetic location: 2p13.1.
Variant type: Deletion.
Coding change: c.2234_2235del on transcript NM_001287491.2 (MANE Select); coding-DNA positions 2234 to 2235, 2 bases deleted (CT; older notation c.2234_2235delCT).
Protein change: p.Pro745fs; shifts the reading frame from proline 745.
Molecular consequence: frameshift variant.
Genome position (GRCh38, 1-based): chr2:74,048,151-74,048,152, CT deleted. VCF-style (leftmost placement, unchanged base first): chr2-74048150-CCT-C. GRCh37 (hg19) VCF-style: chr2-74275277-CCT-C.
Other names: c.1829_1830delCT (NM_144993.1); c.1955_1956del, p.Pro652fs (NM_001366022.1); short protein forms P652fs, P745fs.
Identifiers: ClinVar variation 985641 (VCV000985641.4), dbSNP rs1687748823, ClinGen allele CA1139657120.

ClinVar aggregate classification (germline): Pathogenic (1 of 4 stars; one submission).

Conditions:
Inborn genetic diseases. Identifiers: MedGen C0950123, MeSH D030342.

Submission:

Ambry Genetics
Classification: Pathogenic for Inborn genetic diseases. Last evaluated: 2020-10-30. Review status: criteria provided, single submitter. Criteria: Ambry Variant Classification Scheme 2023. Collection method: clinical testing. Allele origin: germline.
Comment: The c.1829_1830delCT (p.P610Rfs*15) alteration, located in coding exon 1 of the TET3 gene, consists of a deletion of 2 nucleotides from position 1829 to 1830, causing a translational frameshift with a predicted alternate stop codon after 15 amino acids. This alteration is expected to result in loss of function by premature protein truncation or nonsense-mediated mRNA decay. Based on data from the Genome Aggregation Database (gnomAD), the TET3 c.1829_1830delCT alteration was not observed, with coverage at this position. Based on the available evidence, this alteration is classified as pathogenic.